The following is an entry in ClinVar:

ClinVar aggregate classification (germline): Likely pathogenic (1 of 4 stars; one submission).

Conditions:
Hereditary spastic paraplegia 48. Also called: SPASTIC PARAPLEGIA 48, AUTOSOMAL RECESSIVE; Spastic paraplegia 48. Identifiers: Orphanet 306511, MedGen C3150901, MONDO:0013342, OMIM 613647.

Submission:

Labcorp Genetics (formerly Invitae), Labcorp
Classification: Likely pathogenic for Hereditary spastic paraplegia 48. Last evaluated: 2024-03-07. Review status: criteria provided, single submitter. Criteria: Invitae Variant Classification Sherloc (09022015). Collection method: clinical testing. Allele origin: germline.
Comment: This sequence change affects a splice site in intron 9 of the AP5Z1 gene. It is expected to disrupt RNA splicing. Variants that disrupt the donor or acceptor splice site typically lead to a loss of protein function (PMID: 16199547), and loss-of-function variants in AP5Z1 are known to be pathogenic (PMID: 20613862, 27606357). This variant is not present in population databases (gnomAD no frequency). This variant has not been reported in the literature in individuals affected with AP5Z1-related conditions. ClinVar contains an entry for this variant (Variation ID: 1493192). Algorithms developed to predict the effect of sequence changes on RNA splicing suggest that this variant may disrupt the consensus splice site. In summary, the currently available evidence indicates that the variant is pathogenic, but additional data are needed to prove that conclusively. Therefore, this variant has been classified as Likely Pathogenic.

Literature cited by the submitters: PubMed 16199547; PubMed 20613862; PubMed 27606357.

NM_014855.3(AP5Z1):c.1132+1_1132+3del

Gene: AP5Z1 (adaptor related protein complex 5 subunit zeta 1; plus strand). Cytogenetic location: 7p22.1.
Variant type: Deletion.
Coding change: c.1132+1_1132+3del on transcript NM_014855.3 (MANE Select); the canonical splice donor site of the intron after coding-DNA position 1132 through 3 bases into the intron after coding-DNA position 1132, 3 bases deleted (GTG; older notation c.1132+1_1132+3delGTG).
Molecular consequence: splice donor variant.
Genome position (GRCh38, 1-based): chr7:4,785,685-4,785,687, GTG deleted; deleting any 3 consecutive bases within chr7:4,785,684-4,785,687 gives the same sequence; the c. name uses the placement nearest the transcript's 3' end. VCF-style (leftmost placement, unchanged base first): chr7-4785683-CGGT-C. GRCh37 (hg19) VCF-style: chr7-4825314-CGGT-C.
Other names: c.664+1_664+3del (NM_001364858.1).
Identifiers: ClinVar variation 1493192 (VCV001493192.6), dbSNP rs2115114032, ClinGen allele CA2573141915.
Genomic context (GRCh38, chr7:4,785,683, plus strand): 5'-GCGCGGGGACCCGGCCTCTGTGCGGGTGCTGCTGCCCCTCGCCCACTTCTTCCTGAGCCA[CGGT>C]GAGCCCAGGGTGGGGTGGCGCTGACTCGGGGCTCTGCTTCTGCCTTTAGTTTTAGGATGG-3'